The following is an entry in ClinVar:

ClinVar aggregate classification (germline): Uncertain significance. Review status: criteria provided, multiple submitters, no conflicts (2 of 4 stars). 4 submissions from 4 submitters: Uncertain significance (4). Last evaluated 2025-10-02.

Conditions:
Inborn genetic diseases. Identifiers: MedGen C0950123, MeSH D030342.
Schimke immuno-osseous dysplasia (SIOD). Also called: Schimke Immunoosseous Dysplasia. Identifiers: Orphanet 1830, MedGen C0877024, MONDO:0009458, OMIM 242900.

Allele frequency attached by ClinVar (database versions not stated): gnomAD 0.00001; TOPMed 0.00001.
gnomAD v4.1: 57 of 1,614,070 alleles (0.0035%); highest among the groups gnomAD compares: Non-Finnish European, 0.0043%; no homozygotes.

Submissions (4):

Labcorp Genetics (formerly Invitae), Labcorp
Classification: Uncertain significance for Schimke immuno-osseous dysplasia. Last evaluated: 2025-10-02. Review status: criteria provided, single submitter. Criteria: Invitae Variant Classification Sherloc (09022015). Collection method: clinical testing. Allele origin: germline.
Comment: This sequence change replaces serine, which is neutral and polar, with leucine, which is neutral and non-polar, at codon 774 of the SMARCAL1 protein (p.Ser774Leu). This variant is present in population databases (rs149425324, gnomAD 0.004%). This variant has not been reported in the literature in individuals affected with SMARCAL1-related conditions. ClinVar contains an entry for this variant (Variation ID: 289748). Invitae Evidence Modeling of protein sequence and biophysical properties (such as structural, functional, and spatial information, amino acid conservation, physicochemical variation, residue mobility, and thermodynamic stability) indicates that this missense variant is not expected to disrupt SMARCAL1 protein function with a negative predictive value of 80%. In summary, the available evidence is currently insufficient to determine the role of this variant in disease. Therefore, it has been classified as a Variant of Uncertain Significance.

Ambry Genetics
Classification: Uncertain significance for Inborn genetic diseases. Last evaluated: 2025-05-13. Review status: criteria provided, single submitter. Criteria: Ambry Variant Classification Scheme 2023. Collection method: clinical testing. Allele origin: germline.

Fulgent Genetics
Classification: Uncertain significance for Schimke immuno-osseous dysplasia. Last evaluated: 2022-02-25. Review status: criteria provided, single submitter. Criteria: ACMG Guidelines, 2015. Collection method: clinical testing. Allele origin: unknown.

Eurofins Ntd Llc (ga)
Classification: Uncertain significance. Last evaluated: 2016-08-23. Review status: criteria provided, single submitter. Criteria: EGL Classification Definitions 2015. Collection method: clinical testing. Allele origin: germline. Observed: 1 variant allele, 1 heterozygote.

NM_014140.4(SMARCAL1):c.2321C>T (p.Ser774Leu)

Gene: SMARCAL1 (SNF2 related chromatin remodeling annealing helicase 1; plus strand). Cytogenetic location: 2q35.
Variant type: single nucleotide variant.
Coding change: c.2321C>T on transcript NM_014140.4 (MANE Select); coding-DNA position 2321, C replaced by T.
Protein change: p.Ser774Leu; replaces serine 774 with leucine.
Molecular consequence: missense variant.
Genome position (GRCh38, 1-based): chr2:216,475,345, C>T. VCF-style: chr2-216475345-C-T. GRCh37 (hg19) VCF-style: chr2-217340068-C-T.
Other names: c.2321C>T, p.Ser774Leu (NM_001127207.2); c.2321C>T (NM_014140.3); short protein forms S774L.
Identifiers: ClinVar variation 289748 (VCV000289748.10), dbSNP rs149425324, ClinGen allele CA2098175.